The following is an entry in ClinVar:

NM_000338.3(SLC12A1):c.2615C>G (p.Thr872Arg)

Gene: SLC12A1 (solute carrier family 12 member 1; plus strand). Cytogenetic location: 15q21.1.
Variant type: single nucleotide variant.
Coding change: c.2615C>G on transcript NM_000338.3 (MANE Select); coding-DNA position 2615, C replaced by G.
Protein change: p.Thr872Arg; replaces threonine 872 with arginine.
Molecular consequence: missense variant.
Genome position (GRCh38, 1-based): chr15:48,285,235, C>G. VCF-style: chr15-48285235-C-G. GRCh37 (hg19) VCF-style: chr15-48577432-C-G.
Other names: c.2615C>G, p.Thr872Arg (NM_001184832.2, NM_001384136.1); short protein forms T872R.
Identifiers: ClinVar variation 2113299 (VCV002113299.4), dbSNP rs2505183078, ClinGen allele CA392317406.

ClinVar aggregate classification (germline): Uncertain significance (1 of 4 stars; one submission).

Submission:

Labcorp Genetics (formerly Invitae), Labcorp
Classification: Uncertain significance. Last evaluated: 2022-03-17. Review status: criteria provided, single submitter. Criteria: Invitae Variant Classification Sherloc (09022015). Collection method: clinical testing. Allele origin: germline.
Comment: In summary, the available evidence is currently insufficient to determine the role of this variant in disease. Therefore, it has been classified as a Variant of Uncertain Significance. Algorithms developed to predict the effect of missense changes on protein structure and function (SIFT, PolyPhen-2, Align-GVGD) all suggest that this variant is likely to be tolerated. This variant has not been reported in the literature in individuals affected with SLC12A1-related conditions. This variant is not present in population databases (gnomAD no frequency). This sequence change replaces threonine, which is neutral and polar, with arginine, which is basic and polar, at codon 872 of the SLC12A1 protein (p.Thr872Arg).